The following is an entry in ClinVar:

NM_006205.3(PDE6H):c.43G>T (p.Gly15Cys)

Gene: PDE6H (phosphodiesterase 6H; plus strand). Cytogenetic location: 12p12.3.
Variant type: single nucleotide variant.
Coding change: c.43G>T on transcript NM_006205.3 (MANE Select); coding-DNA position 43, G replaced by T.
Protein change: p.Gly15Cys; replaces glycine 15 with cysteine.
Molecular consequence: missense variant.
Genome position (GRCh38, 1-based): chr12:14,978,055, G>T. VCF-style: chr12-14978055-G-T. GRCh37 (hg19) VCF-style: chr12-15130989-G-T.
Other names: short protein forms G15C.
Identifiers: ClinVar variation 1037849 (VCV001037849.9), dbSNP rs1417162255, ClinGen allele CA384023848.

ClinVar aggregate classification (germline): Uncertain significance. Review status: criteria provided, multiple submitters, no conflicts (2 of 4 stars). 2 submissions from 2 submitters: Uncertain significance (2). Last evaluated 2022-11-28.

Allele frequency attached by ClinVar (database versions not stated): gnomAD exomes below 0.00001; TOPMed below 0.00001.
gnomAD v4.1: 4 of 1,613,508 alleles (0.00025%); highest among the groups gnomAD compares: Non-Finnish European, 0.00025%; no homozygotes.

Submissions (2):

Labcorp Genetics (formerly Invitae), Labcorp
Classification: Uncertain significance. Last evaluated: 2022-11-28. Review status: criteria provided, single submitter. Criteria: Invitae Variant Classification Sherloc (09022015). Collection method: clinical testing. Allele origin: germline.
Comment: Algorithms developed to predict the effect of missense changes on protein structure and function are either unavailable or do not agree on the potential impact of this missense change (SIFT: "Deleterious"; PolyPhen-2: "Possibly Damaging"; Align-GVGD: "Class C15"). In summary, the available evidence is currently insufficient to determine the role of this variant in disease. Therefore, it has been classified as a Variant of Uncertain Significance. This sequence change replaces glycine, which is neutral and non-polar, with cysteine, which is neutral and slightly polar, at codon 15 of the PDE6H protein (p.Gly15Cys). This variant is not present in population databases (gnomAD no frequency). ClinVar contains an entry for this variant (Variation ID: 1037849). This variant has not been reported in the literature in individuals affected with PDE6H-related conditions.

Blueprint Genetics
Classification: Uncertain significance. Last evaluated: 2022-05-04. Review status: criteria provided, single submitter. Criteria: ACMG Guidelines, 2015. Collection method: clinical testing. Allele origin: germline.